The following is an entry in ClinVar:

NM_007194.4(CHEK2):c.667T>C (p.Ser223Pro)

Gene: CHEK2 (checkpoint kinase 2; minus strand). Cytogenetic location: 22q12.1.
Variant type: single nucleotide variant.
Coding change: c.667T>C on transcript NM_007194.4 (MANE Select); coding-DNA position 667, T replaced by C.
Protein change: p.Ser223Pro; replaces serine 223 with proline.
Molecular consequence: missense variant. On other transcripts: intron variant (1).
Genome position (GRCh38, 1-based): chr22:28,719,411, A>G on the plus strand (T>C on the coding strand, the complement: CHEK2 is on the minus strand). VCF-style: chr22-28719411-A-G. GRCh37 (hg19) VCF-style: chr22-29115399-A-G.
Other names: c.796T>C, p.Ser266Pro (NM_001005735.3, NM_001438294.1); c.4T>C, p.Ser2Pro (NM_001257387.3, NM_001437942.1); c.760T>C, p.Ser254Pro (NM_001438293.1, NM_001438295.1); c.667T>C, p.Ser223Pro (NM_145862.3); c.482+5475T>C (NM_001349956.3); short protein forms S223P, S266P, S2P, S254P.
Identifiers: ClinVar variation 4002247 (VCV004002247.1).
Genomic context (GRCh38, chr22:28,719,411, plus strand): 5'-TATAGTGAAAAAATTAAGTGCATTTATATAAGAAAATAATTTACCTTCCAAGAGTTTTTG[A>G]CATGATGTATTCATCTCTTAATGCCTTAGGATAAACTGACTGATCATCTACAGTCAGATC-3'
Protein context (NP_009125.1, residues 213-233): PKALRDEYIM[Ser223Pro]KTLGSGACGE

ClinVar aggregate classification (germline): Uncertain significance (1 of 4 stars; one submission).

Conditions:
Hereditary cancer-predisposing syndrome. Also called: Tumor predisposition; Hereditary neoplastic syndrome; Neoplastic Syndromes, Hereditary; Hereditary Cancer Syndrome. Identifiers: Orphanet 140162, MedGen C0027672, MeSH D009386, MONDO:0015356.

Submission:

Ambry Genetics
Classification: Uncertain significance for Hereditary cancer-predisposing syndrome. Last evaluated: 2025-05-19. Review status: criteria provided, single submitter. Criteria: Ambry Variant Classification Scheme 2023. Collection method: clinical testing. Allele origin: germline.
Comment: The p.S223P variant (also known as c.667T>C), located in coding exon 4 of the CHEK2 gene, results from a T to C substitution at nucleotide position 667. The serine at codon 223 is replaced by proline, an amino acid with similar properties. This amino acid position is conserved. In addition, the in silico prediction for this alteration is inconclusive. Based on the available evidence, the clinical significance of this variant remains unclear.